The following is an entry in ClinVar:

ClinVar aggregate classification (germline): Likely benign. Review status: criteria provided, single submitter (1 of 4 stars). 2 submissions from 2 submitters: Likely benign (1). 1 of the submissions does not count toward it. Last evaluated 2022-12-06.

Conditions:
CACNA1D-related disorder.

Allele frequency attached by ClinVar (database versions not stated): TOPMed below 0.00001; ExAC 0.00002; gnomAD exomes 0.00003.
gnomAD v4.1: 9 of 1,613,878 alleles (0.00056%); highest among the groups gnomAD compares: Admixed American, 0.012%; no homozygotes.

Submissions (2):

Labcorp Genetics (formerly Invitae), Labcorp
Classification: Likely benign. Last evaluated: 2022-12-06. Review status: criteria provided, single submitter. Criteria: Invitae Variant Classification Sherloc (09022015). Collection method: clinical testing. Allele origin: germline.

PreventionGenetics, part of Exact Sciences
Classification: Likely benign for CACNA1D-related condition. Last evaluated: 2020-07-02. Review status: no assertion criteria provided. Collection method: clinical testing. Allele origin: germline. Not counted in ClinVar's aggregate classification.
Comment: This variant is classified as likely benign based on ACMG/AMP sequence variant interpretation guidelines (Richards et al. 2015 PMID: 25741868, with internal and published modifications).

NM_000720.4(CACNA1D):c.1152G>A (p.Val384=)

Gene: CACNA1D (calcium voltage-gated channel subunit alpha1 D; plus strand). Cytogenetic location: 3p21.1.
Variant type: single nucleotide variant.
Coding change: c.1152G>A on transcript NM_000720.4 (MANE Plus Clinical); coding-DNA position 1152, G replaced by A.
Protein change: p.Val384=; no amino-acid change (valine 384 retained).
Molecular consequence: synonymous variant. On other transcripts: intron variant (2).
Genome position (GRCh38, 1-based): chr3:53,673,748, G>A. VCF-style: chr3-53673748-G-A. GRCh37 (hg19) VCF-style: chr3-53707775-G-A.
Other names: c.1152G>A (NM_000720.3); c.1220+622G>A (NM_001128840.3, NM_001128839.3).
Identifiers: ClinVar variation 1658942 (VCV001658942.10), dbSNP rs751284609, ClinGen allele CA2453857.